The following is an entry in ClinVar:

ClinVar aggregate classification (germline): Uncertain significance (1 of 4 stars; one submission).

Conditions:
Hereditary spastic paraplegia 73. Also called: Spastic paraplegia 73, autosomal dominant. Identifiers: Orphanet 444099, MedGen C5568981, MONDO:0014568, OMIM 616282.

Submission:

Labcorp Genetics (formerly Invitae), Labcorp
Classification: Uncertain significance for Hereditary spastic paraplegia 73. Last evaluated: 2025-02-18. Review status: criteria provided, single submitter. Criteria: Invitae Variant Classification Sherloc (09022015). Collection method: clinical testing. Allele origin: germline.
Comment: This sequence change replaces alanine, which is neutral and non-polar, with threonine, which is neutral and polar, at codon 346 of the CPT1C protein (p.Ala346Thr). This variant is present in population databases (rs775170296, gnomAD 0.009%). This variant has not been reported in the literature in individuals affected with CPT1C-related conditions. Invitae Evidence Modeling of protein sequence and biophysical properties (such as structural, functional, and spatial information, amino acid conservation, physicochemical variation, residue mobility, and thermodynamic stability) indicates that this missense variant is not expected to disrupt CPT1C protein function with a negative predictive value of 80%. In summary, the available evidence is currently insufficient to determine the role of this variant in disease. Therefore, it has been classified as a Variant of Uncertain Significance.

NM_001199753.2(CPT1C):c.1069G>A (p.Ala357Thr)

Gene: CPT1C (carnitine palmitoyltransferase 1C; plus strand). Cytogenetic location: 19q13.33.
Variant type: single nucleotide variant.
Coding change: c.1069G>A on transcript NM_001199753.2 (MANE Select); coding-DNA position 1069, G replaced by A.
Protein change: p.Ala357Thr; replaces alanine 357 with threonine.
Molecular consequence: missense variant. On other transcripts: non-coding transcript variant (1).
Genome position (GRCh38, 1-based): chr19:49,706,013, G>A. VCF-style: chr19-49706013-G-A. GRCh37 (hg19) VCF-style: chr19-50209270-G-A.
Other names: c.1036G>A, p.Ala346Thr (NM_001136052.3, NM_001378485.1, NM_001378487.1); c.1069G>A, p.Ala357Thr (NM_001199752.3, NM_001378483.1, NM_001378484.1 and 3 more transcripts); c.1135G>A, p.Ala379Thr (NM_001378482.1); short protein forms A357T, A379T, A346T.
Identifiers: ClinVar variation 4712053 (VCV004712053.1).